The following is an entry in ClinVar:

NM_018979.4(WNK1):c.542C>G (p.Ala181Gly)

Gene: WNK1 (WNK lysine deficient protein kinase 1; plus strand). Cytogenetic location: 12p13.33.
Variant type: single nucleotide variant.
Coding change: c.542C>G on transcript NM_018979.4 (MANE Select); coding-DNA position 542, C replaced by G.
Protein change: p.Ala181Gly; replaces alanine 181 with glycine.
Molecular consequence: missense variant.
Genome position (GRCh38, 1-based): chr12:754,107, C>G. VCF-style: chr12-754107-C-G. GRCh37 (hg19) VCF-style: chr12-863273-C-G.
Other names: c.542C>G, p.Ala181Gly (NM_001184985.2, NM_014823.3, NM_213655.5); short protein forms A181G.
Identifiers: ClinVar variation 3762004 (VCV003762004.2).
Genomic context (GRCh38, chr12:754,107, plus strand): 5'-GCAAAGACCGCCCAGTGTCCCAGCCTAGCCTTGTGGGGAGCAAAGAGGAGCCGCCGCCGG[C>G]GAGAAGTGGCAGCGGCGGCGGCAGCGCCAAGGAGCCACAGGAGGAACGGAGCCAGCAGCA-3'
Protein context (NP_061852.3, residues 171-191): LVGSKEEPPP[Ala181Gly]RSGSGGGSAK

ClinVar aggregate classification (germline): Uncertain significance (1 of 4 stars; one submission).

Conditions:
Neuropathy, hereditary sensory and autonomic, type 2A (HSAN2A). Also called: ACROOSTEOLYSIS, GIACCAI TYPE; ACROOSTEOLYSIS, NEUROGENIC; MORVAN DISEASE; NEUROPATHY, CONGENITAL SENSORY; NEUROPATHY, HEREDITARY SENSORY RADICULAR, AUTOSOMAL RECESSIVE; NEUROPATHY, HEREDITARY SENSORY, TYPE IIA. Identifiers: Orphanet 970, MedGen C2752089, MONDO:0024309, OMIM 201300.
Pseudohypoaldosteronism type 2C (PHA2C). Also called: Pseudohypoaldosteronism Type IIC. Identifiers: Orphanet 757, Orphanet 88940, MedGen C1840391, MONDO:0013778, OMIM 614492.

Submission:

Labcorp Genetics (formerly Invitae), Labcorp
Classification: Uncertain significance for Neuropathy, hereditary sensory and autonomic, type 2A; Pseudohypoaldosteronism type 2C. Last evaluated: 2024-09-15. Review status: criteria provided, single submitter. Criteria: Invitae Variant Classification Sherloc (09022015). Collection method: clinical testing. Allele origin: germline.
Comment: This sequence change replaces alanine, which is neutral and non-polar, with glycine, which is neutral and non-polar, at codon 181 of the WNK1 protein (p.Ala181Gly). This variant is not present in population databases (gnomAD no frequency). This variant has not been reported in the literature in individuals affected with WNK1-related conditions. Invitae Evidence Modeling of protein sequence and biophysical properties (such as structural, functional, and spatial information, amino acid conservation, physicochemical variation, residue mobility, and thermodynamic stability) indicates that this missense variant is not expected to disrupt WNK1 protein function with a negative predictive value of 95%. In summary, the available evidence is currently insufficient to determine the role of this variant in disease. Therefore, it has been classified as a Variant of Uncertain Significance.